The following is an entry in ClinVar:

NM_003079.5(SMARCE1):c.1127G>A (p.Ser376Asn)

Gene: SMARCE1 (SWI/SNF related BAF chromatin remodeling complex subunit E1; minus strand). Cytogenetic location: 17q21.2.
Variant type: single nucleotide variant.
Coding change: c.1127G>A on transcript NM_003079.5 (MANE Select); coding-DNA position 1127, G replaced by A.
Protein change: p.Ser376Asn; replaces serine 376 with asparagine.
Molecular consequence: missense variant.
Genome position (GRCh38, 1-based): chr17:40,628,894, C>T on the plus strand (G>A on the coding strand, the complement: SMARCE1 is on the minus strand). VCF-style: chr17-40628894-C-T. GRCh37 (hg19) VCF-style: chr17-38785146-C-T.
Other names: short protein forms S376N.
Identifiers: ClinVar variation 3446133 (VCV003446133.2).
Genomic context (GRCh38, chr17:40,628,894, plus strand): 5'-ACTGTTGCACTGTTGCTCTCCGAGCCAGTGTTACTATCACTGGTTCCTTCCTCTGCCATA[C>T]TGTCGACCCCCTCCTGCCCACTCTCCTTGTCCTCAGGAGTAGACGTGCCTTCTTCACCAT-3'
Protein context (NP_003070.3, residues 366-386): DKESGQEGVD[Ser376Asn]MAEEGTSDSN

ClinVar aggregate classification (germline): Uncertain significance. Review status: criteria provided, multiple submitters, no conflicts (2 of 4 stars). 2 submissions from 2 submitters: Uncertain significance (2). Last evaluated 2025-09-12.

Conditions:
Hereditary cancer-predisposing syndrome. Also called: Tumor predisposition; Neoplastic Syndromes, Hereditary; Hereditary neoplastic syndrome; Hereditary Cancer Syndrome. Identifiers: Orphanet 140162, MedGen C0027672, MeSH D009386, MONDO:0015356.
Familial meningioma. Also called: Meningioma, familial, susceptibility to. Identifiers: Orphanet 263662, MedGen C3551915, MONDO:0011789, OMIM 607174.

gnomAD v4.1: 1 of 1,613,844 alleles (0.000062%); highest among the groups gnomAD compares: Non-Finnish European, 0.000085%; no homozygotes.

Submissions (2):

Labcorp Genetics (formerly Invitae), Labcorp
Classification: Uncertain significance for Familial meningioma. Last evaluated: 2025-09-12. Review status: criteria provided, single submitter. Criteria: Invitae Variant Classification Sherloc (09022015). Collection method: clinical testing. Allele origin: germline.
Comment: This sequence change replaces serine, which is neutral and polar, with asparagine, which is neutral and polar, at codon 376 of the SMARCE1 protein (p.Ser376Asn). This variant is not present in population databases (gnomAD no frequency). This variant has not been reported in the literature in individuals affected with SMARCE1-related conditions. ClinVar contains an entry for this variant (Variation ID: 3446133). Invitae Evidence Modeling of protein sequence and biophysical properties (such as structural, functional, and spatial information, amino acid conservation, physicochemical variation, residue mobility, and thermodynamic stability) indicates that this missense variant is not expected to disrupt SMARCE1 protein function with a negative predictive value of 80%. In summary, the available evidence is currently insufficient to determine the role of this variant in disease. Therefore, it has been classified as a Variant of Uncertain Significance.

Ambry Genetics
Classification: Uncertain significance for Hereditary cancer-predisposing syndrome. Last evaluated: 2024-06-28. Review status: criteria provided, single submitter. Criteria: Ambry Variant Classification Scheme 2023. Collection method: clinical testing. Allele origin: germline.
Comment: The p.S376N variant (also known as c.1127G>A), located in coding exon 10 of the SMARCE1 gene, results from a G to A substitution at nucleotide position 1127. The serine at codon 376 is replaced by asparagine, an amino acid with highly similar properties. This amino acid position is conserved. In addition, this alteration is predicted to be tolerated by in silico analysis. Based on the available evidence, the clinical significance of this variant remains unclear.